The following is an entry in ClinVar:

NM_006939.4(SOS2):c.3719G>A (p.Gly1240Glu)

Gene: SOS2 (SOS Ras/Rho guanine nucleotide exchange factor 2; minus strand). Cytogenetic location: 14q21.3.
Variant type: single nucleotide variant.
Coding change: c.3719G>A on transcript NM_006939.4 (MANE Select); coding-DNA position 3719, G replaced by A.
Protein change: p.Gly1240Glu; replaces glycine 1240 with glutamic acid.
Molecular consequence: missense variant.
Genome position (GRCh38, 1-based): chr14:50,118,624, C>T on the plus strand (G>A on the coding strand, the complement: SOS2 is on the minus strand). VCF-style: chr14-50118624-C-T. GRCh37 (hg19) VCF-style: chr14-50585342-C-T.
Other names: c.3620G>A, p.Gly1207Glu (NM_001411020.1); short protein forms G1207E, G1240E.
Identifiers: ClinVar variation 3684987 (VCV003684987.2).

ClinVar aggregate classification (germline): Uncertain significance (1 of 4 stars; one submission).

Conditions:
Noonan syndrome 9 (NS9). Identifiers: Orphanet 648, MedGen C4225282, MONDO:0014691, OMIM 616559.

Submission:

Labcorp Genetics (formerly Invitae), Labcorp
Classification: Uncertain significance for Noonan syndrome 9. Last evaluated: 2024-11-09. Review status: criteria provided, single submitter. Criteria: Invitae Variant Classification Sherloc (09022015). Collection method: clinical testing. Allele origin: germline.
Comment: This sequence change replaces glycine, which is neutral and non-polar, with glutamic acid, which is acidic and polar, at codon 1240 of the SOS2 protein (p.Gly1240Glu). This variant is not present in population databases (gnomAD no frequency). This variant has not been reported in the literature in individuals affected with SOS2-related conditions. Invitae Evidence Modeling of protein sequence and biophysical properties (such as structural, functional, and spatial information, amino acid conservation, physicochemical variation, residue mobility, and thermodynamic stability) indicates that this missense variant is not expected to disrupt SOS2 protein function with a negative predictive value of 95%. In summary, the available evidence is currently insufficient to determine the role of this variant in disease. Therefore, it has been classified as a Variant of Uncertain Significance.